The following is an entry in ClinVar:

NM_001172509.2(SATB2):c.2000G>T (p.Arg667Leu)

Genes: SATB2 (SATB homeobox 2; minus strand), LOC126806462 (MED14-independent group 3 enhancer GRCh37_chr2:200136608-200137807; plus strand). Cytogenetic location: 2q33.1.
Variant type: single nucleotide variant.
Coding change: c.2000G>T on transcript NM_001172509.2 (MANE Select); coding-DNA position 2000, G replaced by T.
Protein change: p.Arg667Leu; replaces arginine 667 with leucine.
Molecular consequence: missense variant.
Genome position (GRCh38, 1-based): chr2:199,272,413, C>A on the plus strand (G>T on the coding strand, the complement: SATB2 is on the minus strand). VCF-style: chr2-199272413-C-A. GRCh37 (hg19) VCF-style: chr2-200137136-C-A.
Other names: c.2000G>T, p.Arg667Leu (NM_001172517.1, NM_015265.4); short protein forms R667L.
Identifiers: ClinVar variation 581027 (VCV000581027.13), dbSNP rs1559136030, ClinGen allele CA350385522.

ClinVar aggregate classification (germline): Conflicting classifications of pathogenicity. Review status: criteria provided, conflicting classifications (1 of 4 stars). 3 submissions from 3 submitters: Likely pathogenic (1); Uncertain significance (2). Last evaluated 2025-02-06.

Conditions:
Chromosome 2q32-q33 deletion syndrome (GLASS). Also called: Glass syndrome; 2q33.1 deletion syndrome. Identifiers: Orphanet 251019, MedGen C2676739, MONDO:0012864, OMIM 612313.

Submissions (3):

ARUP Laboratories, Molecular Genetics and Genomics, ARUP Laboratories
Classification: Uncertain significance for Chromosome 2q32-q33 deletion syndrome. Last evaluated: 2025-02-06. Review status: criteria provided, single submitter. Criteria: ARUP Molecular Germline Variant Investigation Process 2024. Collection method: clinical testing. Allele origin: germline.

Labcorp Genetics (formerly Invitae), Labcorp
Classification: Likely pathogenic for Chromosome 2q32-q33 deletion syndrome. Last evaluated: 2025-01-13. Review status: criteria provided, single submitter. Criteria: Invitae Variant Classification Sherloc (09022015). Collection method: clinical testing. Allele origin: germline.
Comment: This sequence change replaces arginine, which is basic and polar, with leucine, which is neutral and non-polar, at codon 667 of the SATB2 protein (p.Arg667Leu). This variant is not present in population databases (gnomAD no frequency). This missense change has been observed in individuals with clinical features of SATB2-related conditions (internal data). ClinVar contains an entry for this variant (Variation ID: 581027). Invitae Evidence Modeling incorporating data from in vitro experimental studies (internal data) indicates that this missense variant is not expected to disrupt SATB2 function with a negative predictive value of 95%. In summary, the currently available evidence indicates that the variant is pathogenic, but additional data are needed to prove that conclusively. Therefore, this variant has been classified as Likely Pathogenic.

GeneDx
Classification: Uncertain significance. Last evaluated: 2021-05-20. Review status: criteria provided, single submitter. Criteria: GeneDx Variant Classification Process June 2021. Collection method: clinical testing. Allele origin: germline. Affected: yes.
Comment: Not observed in large population cohorts (Lek et al., 2016); In silico analysis supports that this missense variant has a deleterious effect on protein structure/function; Has not been previously published as pathogenic or benign to our knowledge